The following is an entry in ClinVar:

ClinVar aggregate classification (germline): Conflicting classifications of pathogenicity. Review status: criteria provided, conflicting classifications (1 of 4 stars). 3 submissions from 3 submitters: Uncertain significance (2); Likely benign (1). Last evaluated 2025-06-30.

Conditions:
Cardiovascular phenotype. Identifiers: MedGen CN230736.
Dilated cardiomyopathy 1JJ (CMD1JJ). Identifiers: Orphanet 154, MedGen C3808935, MONDO:0014095, OMIM 615235.

Allele frequency attached by ClinVar (database versions not stated): gnomAD exomes 0.00001 and below 0.00001; TOPMed below 0.00001; ExAC 0.00001.
gnomAD v4.1: 8 of 1,614,000 alleles (0.0005%); highest among the groups gnomAD compares: Non-Finnish European, 0.00068%; no homozygotes.

Submissions (3):

Labcorp Genetics (formerly Invitae), Labcorp
Classification: Uncertain significance for Dilated cardiomyopathy 1JJ. Last evaluated: 2025-06-30. Review status: criteria provided, single submitter. Criteria: Invitae Variant Classification Sherloc (09022015). Collection method: clinical testing. Allele origin: germline.
Comment: This sequence change replaces phenylalanine, which is neutral and non-polar, with leucine, which is neutral and non-polar, at codon 1475 of the LAMA4 protein (p.Phe1475Leu). This variant is present in population databases (rs397516730, gnomAD 0.0009%). This variant has not been reported in the literature in individuals affected with LAMA4-related conditions. ClinVar contains an entry for this variant (Variation ID: 44390). Invitae Evidence Modeling of protein sequence and biophysical properties (such as structural, functional, and spatial information, amino acid conservation, physicochemical variation, residue mobility, and thermodynamic stability) indicates that this missense variant is not expected to disrupt LAMA4 protein function with a negative predictive value of 80%. In summary, the available evidence is currently insufficient to determine the role of this variant in disease. Therefore, it has been classified as a Variant of Uncertain Significance.

Ambry Genetics
Classification: Likely benign for Cardiovascular phenotype. Last evaluated: 2024-05-29. Review status: criteria provided, single submitter. Criteria: Ambry Variant Classification Scheme 2023. Collection method: clinical testing. Allele origin: germline.

Laboratory for Molecular Medicine, Mass General Brigham Personalized Medicine
Classification: Uncertain significance. Last evaluated: 2012-05-15. Review status: criteria provided, single submitter. Criteria: LMM Criteria. Collection method: clinical testing. Allele origin: germline. Observed: 1 variant allele.
Comment: The Phe1475Leu variant in LAMA4 has not been reported in the literature nor prev iously identified by our laboratory. This variant has not been identified in 2 v ery large and broad populations (European and African American) sequenced by the NHLBI Exome Sequencing Project. This low fre quency is consistent with a disease causing role, but insufficient to establish this with confidence. Computational analyses (biochemical amino acid properties, conservation, AlignGVGD, PolyPhen2, and SIFT) do not provide strong support for or against an impact to the protein. Additional information is needed to fully assess the clinical significance of this variant.

NM_001105206.3(LAMA4):c.4446T>G (p.Phe1482Leu)

Gene: LAMA4 (laminin subunit alpha 4; minus strand). Cytogenetic location: 6q21.
Variant type: single nucleotide variant.
Coding change: c.4446T>G on transcript NM_001105206.3 (MANE Select); coding-DNA position 4446, T replaced by G.
Protein change: p.Phe1482Leu; replaces phenylalanine 1482 with leucine.
Molecular consequence: missense variant.
Genome position (GRCh38, 1-based): chr6:112,122,043, A>C on the plus strand (T>G on the coding strand, the complement: LAMA4 is on the minus strand). VCF-style: chr6-112122043-A-C. GRCh37 (hg19) VCF-style: chr6-112443246-A-C.
Other names: c.4425T>G, p.Phe1475Leu (NM_001105207.3, NM_002290.5); short protein forms F1475L, F1482L.
Identifiers: ClinVar variation 44390 (VCV000044390.7), dbSNP rs397516730, ClinGen allele CA134046.
Genomic context (GRCh38, chr6:112,122,043, plus strand): 5'-AGGAGTCTAGGAGTATAGTGTGTTACTTTACTTGGCACCAAAATCTCCTTTTAAGTGTTC[A>C]AACTCTTGGCGGCTGTTGGCTGTTCCTCCATATTGATAGGCGTGCTCTATTGCTCTAGGG-3'
Protein context (NP_001098676.2, residues 1472-1492): YGGTANSRQE[Phe1482Leu]EHLKGDFGAK